The following is an entry in ClinVar:

NM_000321.3(RB1):c.1389+4A>G

Gene: RB1 (RB transcriptional corepressor 1; plus strand). Cytogenetic location: 13q14.2.
Variant type: single nucleotide variant.
Coding change: c.1389+4A>G on transcript NM_000321.3 (MANE Select); 4 bases into the intron after coding-DNA position 1389, A replaced by G.
Molecular consequence: intron variant.
Genome position (GRCh38, 1-based): chr13:48,379,654, A>G. VCF-style: chr13-48379654-A-G. GRCh37 (hg19) VCF-style: chr13-48953790-A-G.
Other names: c.1389+4A>G (NM_001407165.1, NM_001407166.1).
Identifiers: ClinVar variation 3236978 (VCV003236978.1), dbSNP rs1131690879.

ClinVar aggregate classification (germline): Likely pathogenic (1 of 4 stars; one submission).

Conditions:
Retinoblastoma (RB1). Also called: RETINOBLASTOMA, SOMATIC. Identifiers: Orphanet 790, MedGen C0035335, MeSH D012175, MONDO:0008380, OMIM 180200, HP:0009919. Disease mechanism: loss of function. Inheritance: Both sporadic and heritable forms are tested..

Submission:

Genetic Diagnostic Laboratory, University of Pennsylvania School of Medicine
Classification: Likely pathogenic for Retinoblastoma. Last evaluated: 2024-05-20. Review status: criteria provided, single submitter. Criteria: ACMG Guidelines, 2015. Collection method: clinical testing. Allele origin: germline. Affected: yes. Observed: 1 variant allele.
Comment: Case and Pedigree Information: BILATERAL CASES:0, UNILATERAL CASES:1, TOTAL CASES:1, PEDIGREES:1. ACMG Codes Applied:PM2, PP3